The following is an entry in ClinVar:

NM_018671.5(UNC45A):c.1471_1473del (p.Lys491del)

Gene: UNC45A (unc-45 myosin chaperone A; plus strand). Cytogenetic location: 15q26.1.
Variant type: Deletion.
Coding change: c.1471_1473del on transcript NM_018671.5 (MANE Select); coding-DNA positions 1471 to 1473, 3 bases deleted (AAG; older notation c.1471_1473delAAG).
Protein change: p.Lys491del; deletes lysine 491.
Molecular consequence: inframe deletion.
Genome position (GRCh38, 1-based): chr15:90,946,885-90,946,887, AAG deleted; deleting any 3 consecutive bases within chr15:90,946,883-90,946,887 gives the same sequence; the c. name uses the placement nearest the transcript's 3' end. VCF-style (leftmost placement, unchanged base first): chr15-90946882-GAGA-G. GRCh37 (hg19) VCF-style: chr15-91490112-GAGA-G.
Other names: c.1426_1428del, p.Lys476del (NM_001039675.2, NM_001323621.2); c.1471_1473del, p.Lys491del (NM_001323619.1); c.1036_1038del, p.Lys346del (NM_001323620.2); short protein forms K346del, K476del, K491del.
Identifiers: ClinVar variation 1965837 (VCV001965837.2), dbSNP rs1432687776, ClinGen allele CA619586418.

ClinVar aggregate classification (germline): Uncertain significance (1 of 4 stars; one submission).

Submission:

Labcorp Genetics (formerly Invitae), Labcorp
Classification: Uncertain significance. Last evaluated: 2022-08-19. Review status: criteria provided, single submitter. Criteria: Invitae Variant Classification Sherloc (09022015). Collection method: clinical testing. Allele origin: germline.
Comment: This variant, c.1471_1473del, results in the deletion of 1 amino acid(s) of the UNC45A protein (p.Lys491del), but otherwise preserves the integrity of the reading frame. This variant is present in population databases (no rsID available, gnomAD 0.0009%). This variant has not been reported in the literature in individuals affected with UNC45A-related conditions. Experimental studies and prediction algorithms are not available or were not evaluated, and the functional significance of this variant is currently unknown. In summary, the available evidence is currently insufficient to determine the role of this variant in disease. Therefore, it has been classified as a Variant of Uncertain Significance.